The following is an entry in ClinVar:

GRCh38/hg38 9p23(chr9:10648009-11435662)x1

Genes: LINC03131 (long independently transcribed non-coding RNA 3131; minus strand), LOC124210615 (Sharpr-MPRA regulatory region 873; plus strand). Cytogenetic location: 9p23.
Variant type: copy number loss.
Change: copy number 1 (one copy instead of two) of chr9:10,648,009-11,435,662 (787.7 kb, GRCh38 coordinates, 1-based), cytogenetic band 9p23.
Identifiers: ClinVar variation 57232 (VCV000057232.1).

ClinVar aggregate classification (germline): Uncertain significance (1 of 4 stars; one submission).

Submission:

ISCA site 4
Classification: Uncertain significance. Last evaluated: 2011-08-12. Review status: criteria provided, single submitter. Criteria: Kaminsky et al. (Genet Med. 2011). Collection method: clinical testing. Allele origin: unknown. Affected: yes. Observed: 1 variant allele.
Comment: Copy number variation identified through the course of routine clinical cytogenomic testing in postnatal populations. Clinical assertions have been curated as described in Kaminsky et al. 2011.